The following is an entry in ClinVar:

NM_022662.4(ANAPC1):c.4927T>C (p.Trp1643Arg)

Gene: ANAPC1 (anaphase promoting complex subunit 1; minus strand). Cytogenetic location: 2q13.
Variant type: single nucleotide variant.
Coding change: c.4927T>C on transcript NM_022662.4 (MANE Select); coding-DNA position 4927, T replaced by C.
Protein change: p.Trp1643Arg; replaces tryptophan 1643 with arginine.
Molecular consequence: missense variant.
Genome position (GRCh38, 1-based): chr2:111,784,391, A>G on the plus strand (T>C on the coding strand, the complement: ANAPC1 is on the minus strand). VCF-style: chr2-111784391-A-G. GRCh37 (hg19) VCF-style: chr2-112541968-A-G.
Other names: short protein forms W1643R.
Identifiers: ClinVar variation 2510062 (VCV002510062.4), dbSNP rs776199700, ClinGen allele CA1829760.

ClinVar aggregate classification (germline): Uncertain significance. Review status: criteria provided, multiple submitters, no conflicts (2 of 4 stars). 2 submissions from 2 submitters: Uncertain significance (2). Last evaluated 2026-05-21.

Allele frequency attached by ClinVar (database versions not stated): 1000 Genomes Project 30x 0.00062; ExAC 0.00109; gnomAD 0.00013.

Submissions (2):

Women's Health and Genetics/Laboratory Corporation of America, LabCorp
Classification: Uncertain significance. Last evaluated: 2026-05-21. Review status: criteria provided, single submitter. Criteria: LabCorp Variant Classification Summary - May 2015. Collection method: clinical testing. Allele origin: germline.
Comment: Variant summary: ANAPC1 c.4927T>C (p.Trp1643Arg) results in a non-conservative amino acid change in the encoded protein sequence. Algorithms developed to predict the effect of missense changes on protein structure and function are either unavailable or do not agree on the potential impact of this missense change. The variant allele was found at a frequency of 0.00051 in 250350 control chromosomes. This frequency is not significantly higher than estimated for disease-causing variants in ANAPC1, allowing no conclusion about variant significance. To our knowledge, no occurrence of c.4927T>C in individuals affected with ANAPC1-related conditions and no experimental evidence demonstrating its impact on protein function have been reported. ClinVar contains an entry for this variant (Variation ID: 2510062). Based on the evidence outlined above, the variant was classified as uncertain significance.

Ambry Genetics
Classification: Uncertain significance. Last evaluated: 2025-07-14. Review status: criteria provided, single submitter. Criteria: Ambry Variant Classification Scheme 2023. Collection method: clinical testing. Allele origin: germline.